The following is an entry in ClinVar:

NM_022489.4(INF2):c.2905G>A (p.Glu969Lys)

Gene: INF2 (inverted formin 2; plus strand). Cytogenetic location: 14q32.33.
Variant type: single nucleotide variant.
Coding change: c.2905G>A on transcript NM_022489.4 (MANE Select); coding-DNA position 2905, G replaced by A.
Protein change: p.Glu969Lys; replaces glutamic acid 969 with lysine.
Molecular consequence: missense variant.
Genome position (GRCh38, 1-based): chr14:104,713,471, G>A. VCF-style: chr14-104713471-G-A. GRCh37 (hg19) VCF-style: chr14-105179808-G-A.
Other names: c.2905G>A, p.Glu969Lys (NM_001031714.4); short protein forms E969K.
Identifiers: ClinVar variation 842012 (VCV000842012.10), dbSNP rs1890151516, ClinGen allele CA391222896.
Genomic context (GRCh38, chr14:104,713,471, plus strand): 5'-CCATGCCGCTCTCTGAGTGCCCCACGCTCCTCAGTCAGGAAGGGGCCCGGGAAGCAGGAG[G>A]AGGTGTGTGTCATCGATGCCCTGCTGGCTGACATCAGGAAGGGCTTCCAGCTGCGGAAGA-3'
Protein context (NP_071934.3, residues 959-979): PVRKGPGKQE[Glu969Lys]VCVIDALLAD

ClinVar aggregate classification (germline): Uncertain significance. Review status: criteria provided, multiple submitters, no conflicts (2 of 4 stars). 2 submissions from 2 submitters: Uncertain significance (2). Last evaluated 2024-02-04.

Conditions:
Focal segmental glomerulosclerosis 5 (FSGS5). Identifiers: Orphanet 656, MedGen C2750475, MONDO:0013191, OMIM 613237.
Charcot-Marie-Tooth disease dominant intermediate E. Also called: CHARCOT-MARIE-TOOTH NEUROPATHY WITH FOCAL SEGMENTAL GLOMERULONEPHRITIS. Identifiers: Orphanet 93114, MedGen C4302667, MONDO:0013758, OMIM 614455.

Allele frequency attached by ClinVar (database versions not stated): gnomAD exomes below 0.00001.

Submissions (2):

Fulgent Genetics
Classification: Uncertain significance for Focal segmental glomerulosclerosis 5; Charcot-Marie-Tooth disease dominant intermediate E. Last evaluated: 2024-02-04. Review status: criteria provided, single submitter. Criteria: ACMG Guidelines, 2015. Collection method: clinical testing. Allele origin: germline.

Labcorp Genetics (formerly Invitae), Labcorp
Classification: Uncertain significance for Charcot-Marie-Tooth disease dominant intermediate E; Focal segmental glomerulosclerosis 5. Last evaluated: 2019-04-09. Review status: criteria provided, single submitter. Criteria: Invitae Variant Classification Sherloc (09022015). Collection method: clinical testing. Allele origin: germline.
Comment: In summary, the available evidence is currently insufficient to determine the role of this variant in disease. Therefore, it has been classified as a Variant of Uncertain Significance. This sequence change replaces glutamic acid with lysine at codon 969 of the INF2 protein (p.Glu969Lys). The glutamic acid residue is weakly conserved and there is a small physicochemical difference between glutamic acid and lysine. This variant is not present in population databases (ExAC no frequency). This variant has not been reported in the literature in individuals with INF2-related conditions.